The following is an entry in ClinVar:

NM_001174089.2(SLC4A11):c.2062G>A (p.Ala688Thr)

Gene: SLC4A11 (solute carrier family 4 member 11; minus strand). Cytogenetic location: 20p13.
Variant type: single nucleotide variant.
Coding change: c.2062G>A on transcript NM_001174089.2 (MANE Select); coding-DNA position 2062, G replaced by A.
Protein change: p.Ala688Thr; replaces alanine 688 with threonine.
Molecular consequence: missense variant. On other transcripts: non-coding transcript variant (1).
Genome position (GRCh38, 1-based): chr20:3,228,968, C>T on the plus strand (G>A on the coding strand, the complement: SLC4A11 is on the minus strand). VCF-style: chr20-3228968-C-T. GRCh37 (hg19) VCF-style: chr20-3209614-C-T.
Other names: c.2191G>A, p.Ala731Thr (NM_001174090.2); c.1948G>A, p.Ala650Thr (NM_001363745.2); c.2110G>A, p.Ala704Thr (NM_032034.4); short protein forms A688T, A704T, A650T, A731T.
Identifiers: ClinVar variation 522760 (VCV000522760.5), dbSNP rs748362724, ClinGen allele CA9741595.

ClinVar aggregate classification (germline): Conflicting classifications of pathogenicity. Review status: criteria provided, conflicting classifications (1 of 4 stars). 2 submissions from 2 submitters: Likely pathogenic (1); Uncertain significance (1). Last evaluated 2024-10-15.

Conditions:
Corneal dystrophy-perceptive deafness syndrome (CDPD). Also called: CORNEAL DYSTROPHY AND SENSORINEURAL DEAFNESS; HARBOYAN SYNDROME. Identifiers: Orphanet 1490, MedGen C1857572, MONDO:0009015, OMIM 217400.

Allele frequency attached by ClinVar (database versions not stated): gnomAD exomes below 0.00001; ExAC 0.00001; gnomAD 0.00003; TOPMed 0.00003.
gnomAD v4.1: 8 of 1,613,694 alleles (0.0005%); highest among the groups gnomAD compares: African/African-American, 0.0053%; no homozygotes.

Submissions (2):

Labcorp Genetics (formerly Invitae), Labcorp
Classification: Uncertain significance. Last evaluated: 2024-10-15. Review status: criteria provided, single submitter. Criteria: Invitae Variant Classification Sherloc (09022015). Collection method: clinical testing. Allele origin: germline.
Comment: This sequence change replaces alanine, which is neutral and non-polar, with threonine, which is neutral and polar, at codon 704 of the SLC4A11 protein (p.Ala704Thr). This variant is present in population databases (rs748362724, gnomAD 0.01%). This variant has not been reported in the literature in individuals affected with SLC4A11-related conditions. ClinVar contains an entry for this variant (Variation ID: 522760). Invitae Evidence Modeling of protein sequence and biophysical properties (such as structural, functional, and spatial information, amino acid conservation, physicochemical variation, residue mobility, and thermodynamic stability) has been performed for this missense variant. However, the output from this modeling did not meet the statistical confidence thresholds required to predict the impact of this variant on SLC4A11 protein function. In summary, the available evidence is currently insufficient to determine the role of this variant in disease. Therefore, it has been classified as a Variant of Uncertain Significance.

Genomic Research Center, Shahid Beheshti University of Medical Sciences
Classification: Likely pathogenic for Corneal dystrophy-perceptive deafness syndrome. Last evaluated: 2017-12-03. Review status: criteria provided, single submitter. Criteria: ACMG Guidelines, 2015. Collection method: clinical testing. Allele origin: inherited.